The following is an entry in ClinVar:

NM_000143.4(FH):c.1397A>T (p.Asp466Val)

Gene: FH (fumarate hydratase; minus strand). Cytogenetic location: 1q43.
Variant type: single nucleotide variant.
Coding change: c.1397A>T on transcript NM_000143.4 (MANE Select); coding-DNA position 1397, A replaced by T.
Protein change: p.Asp466Val; replaces aspartic acid 466 with valine.
Molecular consequence: missense variant.
Genome position (GRCh38, 1-based): chr1:241,497,964, T>A on the plus strand (A>T on the coding strand, the complement: FH is on the minus strand). VCF-style: chr1-241497964-T-A. GRCh37 (hg19) VCF-style: chr1-241661264-T-A.
Other names: short protein forms D466V.
Identifiers: ClinVar variation 4024844 (VCV004024844.1).

ClinVar aggregate classification (germline): Uncertain significance (1 of 4 stars; one submission).

Conditions:
Hereditary cancer-predisposing syndrome. Also called: Tumor predisposition; Hereditary neoplastic syndrome; Neoplastic Syndromes, Hereditary; Hereditary Cancer Syndrome. Identifiers: Orphanet 140162, MedGen C0027672, MeSH D009386, MONDO:0015356.

Submission:

Ambry Genetics
Classification: Uncertain significance for Hereditary cancer-predisposing syndrome. Last evaluated: 2025-06-09. Review status: criteria provided, single submitter. Criteria: Ambry Variant Classification Scheme 2023. Collection method: clinical testing. Allele origin: germline.
Comment: The p.D466V variant (also known as c.1397A>T), located in coding exon 10 of the FH gene, results from an A to T substitution at nucleotide position 1397. The aspartic acid at codon 466 is replaced by valine, an amino acid with highly dissimilar properties. This amino acid position is conserved. In addition, this alteration is predicted to be deleterious by in silico analysis. Based on the available evidence, the clinical significance of this variant remains unclear.